The following is an entry in ClinVar:

ClinVar aggregate classification (germline): Conflicting classifications of pathogenicity. Review status: criteria provided, conflicting classifications (1 of 4 stars). 11 submissions from 10 submitters: Uncertain significance (3); Likely benign (5). 3 of the submissions do not count toward it. Last evaluated 2025-12-28.

Conditions:
Mevalonic aciduria (MEVA). Identifiers: Orphanet 29, MedGen C1959626, MONDO:0012481, OMIM 610377.
Porokeratosis 3, disseminated superficial actinic type (POROK3). Also called: POROKERATOSIS 3, MULTIPLE TYPES; POROKERATOSIS 3, MIBELLI TYPE; POROKERATOSIS, DISSEMINATED SUPERFICIAL ACTINIC, 1. Identifiers: MedGen C1867981, MONDO:0008293, OMIM 175900.
Hyperimmunoglobulin D with periodic fever (HIDS). Also called: Hyperimmunoglobulinemia D with periodic fever; HYPERIMMUNOGLOBULINEMIA D AND PERIODIC FEVER SYNDROME; Hyperimmunoglobulinemia D. Identifiers: Orphanet 343, MedGen C0398691, MONDO:0009849, OMIM 260920.

Allele frequency attached by ClinVar (database versions not stated): ESP Exome Variant Server 0.00008; TOPMed 0.00008; gnomAD 0.00009 and 0.00010; gnomAD exomes 0.00010; 1000 Genomes Project 0.00020; 1000 Genomes Project 30x 0.00031; ExAC 0.00007.
gnomAD v4.1: 238 of 1,614,174 alleles (0.015%); highest among the groups gnomAD compares: Admixed American, 0.018%; no homozygotes.

Submissions (11):

Labcorp Genetics (formerly Invitae), Labcorp
Classification: Likely benign for Mevalonic aciduria; Hyperimmunoglobulin D with periodic fever; Porokeratosis 3, disseminated superficial actinic type. Last evaluated: 2025-12-28. Review status: criteria provided, single submitter. Criteria: Invitae Variant Classification Sherloc (09022015). Collection method: clinical testing. Allele origin: germline.

ARUP Laboratories, Molecular Genetics and Genomics, ARUP Laboratories
Classification: Likely benign. Last evaluated: 2025-01-27. Review status: criteria provided, single submitter. Criteria: ARUP Molecular Germline Variant Investigation Process 2024. Collection method: clinical testing. Allele origin: germline.

Blueprint Genetics
Classification: Likely benign. Last evaluated: 2024-06-26. Review status: criteria provided, single submitter. Criteria: ACMG Guidelines, 2015. Collection method: clinical testing. Allele origin: germline.

CeGaT Center for Human Genetics Tuebingen
Classification: Likely benign. Last evaluated: 2022-05-01. Review status: criteria provided, single submitter. Criteria: CeGaT Center For Human Genetics Tuebingen Variant Classification Criteria Version 2. Collection method: clinical testing. Allele origin: germline. Affected: yes. Observed: 1 variant allele.
Comment: MVK: BP4, BP7

GeneDx
Classification: Likely benign. Last evaluated: 2018-04-03. Review status: criteria provided, single submitter. Criteria: GeneDx Variant Classification (06012015). Collection method: clinical testing. Allele origin: germline. Affected: yes.
Comment: This variant is considered likely benign or benign based on one or more of the following criteria: it is a conservative change, it occurs at a poorly conserved position in the protein, it is predicted to be benign by multiple in silico algorithms, and/or has population frequency not consistent with disease.

Illumina Laboratory Services, Illumina
Classification: Uncertain significance for Mevalonic aciduria. Last evaluated: 2018-01-13. Review status: criteria provided, single submitter. Criteria: ICSL Variant Classification Criteria 13 December 2019. Collection method: clinical testing. Allele origin: germline.

Illumina Laboratory Services, Illumina
Classification: Uncertain significance for Hyperimmunoglobulin D with periodic fever. Last evaluated: 2018-01-13. Review status: criteria provided, single submitter. Criteria: ICSL Variant Classification Criteria 13 December 2019. Collection method: clinical testing. Allele origin: germline.

Center for Genomics, Ann and Robert H. Lurie Children's Hospital of Chicago
Classification: Uncertain significance for Hyperimmunoglobulin D with periodic fever; Mevalonic aciduria; Porokeratosis 3, disseminated superficial actinic type. Review status: criteria provided, single submitter. Criteria: ACMG Guidelines, 2015. Collection method: clinical testing. Allele origin: germline.
Comment: MVK NM_000431.3 exon 6 p.His197= (c.591C>T): This variant has not been reported in the literature but is present in 0.01% (11/68036) of European alleles in the Genome Aggregation Database. This variant is present in ClinVar (Variation ID:97599). Evolutionary conservation and computational predictive tools for this variant are limited or unavailable. Of note, this variant is a silent variant and does not change the amino acid, reducing the probability that this variant is disease causing. In summary, data on this variant is insufficient for disease classification. Therefore, the clinical significance of this variant is uncertain.

Clinical Genetics DNA and cytogenetics Diagnostics Lab, Erasmus MC, Erasmus Medical Center
Classification: Likely benign. Review status: no assertion criteria provided. Collection method: clinical testing. Allele origin: germline. Affected: yes. Study: VKGL Data-share Consensus. Not counted in ClinVar's aggregate classification.

Genome Diagnostics Laboratory, University Medical Center Utrecht
Classification: Likely benign. Review status: no assertion criteria provided. Collection method: clinical testing. Allele origin: germline. Affected: yes. Study: VKGL Data-share Consensus. Not counted in ClinVar's aggregate classification.

Unité médicale des maladies autoinflammatoires, CHRU Montpellier
No classification provided. Condition: Hyperimmunoglobulin D with periodic fever. Review status: no classification provided. Collection method: not provided. Allele origin: unknown. Not counted in ClinVar's aggregate classification.
Comment: also involved in OMIM 25117

NM_000431.4(MVK):c.591C>T (p.His197=)

Gene: MVK (mevalonate kinase; plus strand). Cytogenetic location: 12q24.11.
Variant type: single nucleotide variant.
Coding change: c.591C>T on transcript NM_000431.4 (MANE Select); coding-DNA position 591, C replaced by T.
Protein change: p.His197=; no amino-acid change (histidine 197 retained).
Molecular consequence: synonymous variant.
Genome position (GRCh38, 1-based): chr12:109,586,085, C>T. VCF-style: chr12-109586085-C-T. GRCh37 (hg19) VCF-style: chr12-110023890-C-T.
Other names: c.591C>T (LRG_156t1); c.591C>T, p.His197= (NM_001114185.3); c.435C>T, p.His145= (NM_001301182.2).
Identifiers: ClinVar variation 97599 (VCV000097599.45), dbSNP rs104895329, ClinGen allele CA149849.